The following is an entry in ClinVar:

NM_001853.4(COL9A3):c.1183C>T (p.Pro395Ser)

Gene: COL9A3 (collagen type IX alpha 3 chain; plus strand). Cytogenetic location: 20q13.33.
Variant type: single nucleotide variant.
Coding change: c.1183C>T on transcript NM_001853.4 (MANE Select); coding-DNA position 1183, C replaced by T.
Protein change: p.Pro395Ser; replaces proline 395 with serine.
Molecular consequence: missense variant.
Genome position (GRCh38, 1-based): chr20:62,830,381, C>T. VCF-style: chr20-62830381-C-T. GRCh37 (hg19) VCF-style: chr20-61461733-C-T.
Other names: short protein forms P395S.
Identifiers: ClinVar variation 1716837 (VCV001716837.6), dbSNP rs1413132586, ClinGen allele CA409594500.

ClinVar aggregate classification (germline): Uncertain significance (1 of 4 stars; one submission).

Allele frequency attached by ClinVar (database versions not stated): gnomAD 0.00001.
gnomAD v4.1: 1 of 1,573,206 alleles (0.000064%); no homozygotes.

Submission:

Labcorp Genetics (formerly Invitae), Labcorp
Classification: Uncertain significance. Last evaluated: 2022-10-31. Review status: criteria provided, single submitter. Criteria: Invitae Variant Classification Sherloc (09022015). Collection method: clinical testing. Allele origin: germline.
Comment: This variant is not present in population databases (gnomAD no frequency). In summary, the available evidence is currently insufficient to determine the role of this variant in disease. Therefore, it has been classified as a Variant of Uncertain Significance. Advanced modeling of protein sequence and biophysical properties (such as structural, functional, and spatial information, amino acid conservation, physicochemical variation, residue mobility, and thermodynamic stability) performed at Invitae indicates that this missense variant is not expected to disrupt COL9A3 protein function. This variant has not been reported in the literature in individuals affected with COL9A3-related conditions. This sequence change replaces proline, which is neutral and non-polar, with serine, which is neutral and polar, at codon 395 of the COL9A3 protein (p.Pro395Ser).